The following is an entry in ClinVar:

ClinVar aggregate classification (germline): Benign. Review status: criteria provided, multiple submitters, no conflicts (2 of 4 stars). 2 submissions from 2 submitters: Benign (2). Last evaluated 2018-01-12.

Conditions:
Growth delay due to insulin-like growth factor I resistance. Also called: Somatomedin end-organ insensitivity to; Somatomedin-c resistance to; IGF-1 resistance; IGF-I RESISTANCE; Insulin-Like Growth Factor I Resistance. Identifiers: Orphanet 73273, MedGen C1849157, MONDO:0010038, OMIM 270450.

Allele frequency attached by ClinVar (database versions not stated): 1000 Genomes Project 0.09665; 1000 Genomes Project 30x 0.09869; TOPMed 0.17311; gnomAD 0.17805 and 0.18377; gnomAD exomes 0.18480.
gnomAD v4.1: 42,204 of 233,600 alleles (18%); highest among the groups gnomAD compares: Non-Finnish European, 24%; 4,371 homozygotes.

Submissions (2):

Illumina Laboratory Services, Illumina
Classification: Benign for Growth delay due to insulin-like growth factor I resistance. Last evaluated: 2018-01-12. Review status: criteria provided, single submitter. Criteria: ICSL Variant Classification Criteria 13 December 2019. Collection method: clinical testing. Allele origin: germline.
Comment: This variant was observed in the ICSL laboratory as part of a predisposition screen in an ostensibly healthy population. It had not been previously curated by ICSL or reported in the Human Gene Mutation Database (HGMD: prior to June 1st, 2018), and was therefore a candidate for classification through an automated scoring system. Utilizing variant allele frequency, disease prevalence and penetrance estimates, and inheritance mode, an automated score was calculated to assess if this variant is too frequent to cause the disease. Based on the score and internal cut-off values, a variant classified as benign is not then subjected to further curation. The score for this variant resulted in a classification of benign for this disease.

Breakthrough Genomics
Classification: Benign. Review status: criteria provided, single submitter. Criteria: ACMG Guidelines, 2015. Collection method: not provided. Allele origin: germline. Inheritance: Autosomal dominant inheritance. Affected: yes.

NM_000875.5(IGF1R):c.*4172C>T

Gene: IGF1R (insulin like growth factor 1 receptor; plus strand). Cytogenetic location: 15q26.3.
Variant type: single nucleotide variant.
Coding change: c.*4172C>T on transcript NM_000875.5 (MANE Select); 4172 bases downstream of the stop codon, C replaced by T.
Molecular consequence: 3 prime UTR variant.
Genome position (GRCh38, 1-based): chr15:98,961,614, C>T. VCF-style: chr15-98961614-C-T. GRCh37 (hg19) VCF-style: chr15-99504843-C-T.
Other names: c.*4172C>T (NM_001291858.2).
Identifiers: ClinVar variation 317572 (VCV000317572.6), dbSNP rs2654980, ClinGen allele CA10642757.
Genomic context (GRCh38, chr15:98,961,614, plus strand): 5'-AATAATCTTAAGCTGAGTTGTGGCATTTTCCATGCAACCTCCTTCTGCCAGCAGCTCACA[C>T]TGCTTGAAGTCATATGAACCACTGAGGCACATCATGGAATTGATGTGAGCATTAAGACGT-3'